The following is an entry in ClinVar:

ClinVar aggregate classification (germline): Uncertain significance (1 of 4 stars; one submission).

Conditions:
Inborn genetic diseases. Identifiers: MedGen C0950123, MeSH D030342.

Submission:

Ambry Genetics
Classification: Uncertain significance for Inborn genetic diseases. Last evaluated: 2026-06-19. Review status: criteria provided, single submitter. Criteria: Ambry Variant Classification Scheme 2023. Collection method: clinical testing. Allele origin: germline.
Comment: The p.G111A variant (also known as c.332G>C), located in coding exon 4 of the FANCG gene, results from a G to C substitution at nucleotide position 332. The glycine at codon 111 is replaced by alanine, an amino acid with similar properties. This amino acid position is conserved. In addition, this alteration is predicted to be tolerated by in silico analysis. Based on the available evidence, the clinical significance of this variant remains unclear.

NM_004629.2(FANCG):c.332G>C (p.Gly111Ala)

Gene: FANCG (FA complementation group G; minus strand). Cytogenetic location: 9p13.3.
Variant type: single nucleotide variant.
Coding change: c.332G>C on transcript NM_004629.2 (MANE Select); coding-DNA position 332, G replaced by C.
Protein change: p.Gly111Ala; replaces glycine 111 with alanine.
Molecular consequence: missense variant.
Genome position (GRCh38, 1-based): chr9:35,078,319, C>G on the plus strand (G>C on the coding strand, the complement: FANCG is on the minus strand). VCF-style: chr9-35078319-C-G. GRCh37 (hg19) VCF-style: chr9-35078316-C-G.
Other names: short protein forms G111A.
Identifiers: ClinVar variation 5036490 (VCV005036490.1).